The following is an entry in ClinVar:

ClinVar aggregate classification (germline): Uncertain significance. Review status: criteria provided, multiple submitters, no conflicts (2 of 4 stars). 2 submissions from 2 submitters: Uncertain significance (2). Last evaluated 2026-01-12.

Conditions:
Brugada syndrome 5 (BRGDA5). Identifiers: Orphanet 130, Orphanet 871, MedGen C2748541, MONDO:0013015, OMIM 612838.

Allele frequency attached by ClinVar (database versions not stated): gnomAD 0.00001; TOPMed 0.00001; gnomAD exomes 0.00004 and 0.00008; ExAC 0.00020.
gnomAD v4.1: 54 of 1,551,584 alleles (0.0035%); highest among the groups gnomAD compares: South Asian, 0.059%; no homozygotes.

Submissions (2):

Labcorp Genetics (formerly Invitae), Labcorp
Classification: Uncertain significance for Brugada syndrome 5. Last evaluated: 2026-01-12. Review status: criteria provided, single submitter. Criteria: Invitae Variant Classification Sherloc (09022015). Collection method: clinical testing. Allele origin: germline.
Comment: This sequence change replaces valine, which is neutral and non-polar, with isoleucine, which is neutral and non-polar, at codon 268 of the SCN1B protein (p.Val268Ile). This variant is present in population databases (rs752552401, gnomAD 0.05%). This missense change has been observed in individual(s) with sudden infant death syndrome (PMID: 29572929). ClinVar contains an entry for this variant (Variation ID: 190882). An algorithm developed to predict the effect of missense changes on protein structure and function outputs the following: PolyPhen-2: "Benign". The isoleucine amino acid residue is found in multiple mammalian species, which suggests that this missense change does not adversely affect protein function. Experimental studies have shown that this missense change affects SCN1B function (PMID: 29572929). In summary, the available evidence is currently insufficient to determine the role of this variant in disease. Therefore, it has been classified as a Variant of Uncertain Significance.

GeneDx
Classification: Uncertain significance. Last evaluated: 2018-11-05. Review status: criteria provided, single submitter. Criteria: GeneDx Variant Classification (06012015). Collection method: clinical testing. Allele origin: germline. Affected: yes.
Comment: p.V268I:GTT>ATT; c.802 G>A. A heterozygous G>A nucleotide substitution was identified in exon 3 of the SCN1B gene, resulting in the replacement of the normal Valine codon (GTT) with an Isoleucine codon (ATT) at amino acid position 268 in the beta subunit of the voltage-gated sodium channel type 1 (SCN1B). This sequence change is denoted Val268Ile (aka V268I) at the protein level and c.802 G>A at the cDNA level. The Val268Ile variant in the SCN1B gene has not been previously published as a disease-causing mutation or as a benign polymorphism, to our knowledge. Val268Ile results in a conservative amino acid substitution at the last amino acid residue of the SCN1B protein, which is not conserved across species throughout evolution. However, this variant occurs in an alternate transcript of the SCN1B gene, where at least one other mutation has been reported in association with Brugada syndrome. Furthermore, Val268Ile was not observed in up to 600 alleles from control individuals of Caucasian and African American ancestry tested at GeneDx indicating it is likely not a common, benign variant in these populations. The variant is found in BRUGADA panel(s).

Literature cited by the submitters: PubMed 29572929 (cited by Labcorp Genetics (formerly Invitae), Labcorp).

NM_001037.5(SCN1B):c.448+354G>A

Gene: SCN1B (sodium voltage-gated channel beta subunit 1; plus strand). Cytogenetic location: 19q13.11.
Variant type: single nucleotide variant.
Coding change: c.448+354G>A on transcript NM_001037.5 (MANE Select); 354 bases into the intron after coding-DNA position 448, G replaced by A.
Molecular consequence: intron variant. On other transcripts: missense variant (1).
Genome position (GRCh38, 1-based): chr19:35,034,093, G>A. VCF-style: chr19-35034093-G-A. GRCh37 (hg19) VCF-style: chr19-35524997-G-A.
Other names: p.V268I:GTT>ATT; c.802G>A, p.Val268Ile (NM_199037.5); c.349+354G>A (NM_001321605.2); short protein forms V268I.
Identifiers: ClinVar variation 190882 (VCV000190882.8), dbSNP rs752552401, ClinGen allele CA302196.